The following is an entry in ClinVar:

ClinVar aggregate classification (germline): Uncertain significance (1 of 4 stars; one submission).

Conditions:
Hereditary cancer-predisposing syndrome. Also called: Hereditary neoplastic syndrome; Hereditary Cancer Syndrome; Neoplastic Syndromes, Hereditary; Tumor predisposition. Identifiers: Orphanet 140162, MedGen C0027672, MeSH D009386, MONDO:0015356.

Submission:

Ambry Genetics
Classification: Uncertain significance for Hereditary cancer-predisposing syndrome. Last evaluated: 2023-04-07. Review status: criteria provided, single submitter. Criteria: Ambry Variant Classification Scheme 2023. Collection method: clinical testing. Allele origin: germline.
Comment: The p.D390G variant (also known as c.1169A>G), located in coding exon 4 of the MSH6 gene, results from an A to G substitution at nucleotide position 1169. The aspartic acid at codon 390 is replaced by glycine, an amino acid with similar properties. This amino acid position is conserved. In addition, the in silico prediction for this alteration is inconclusive. Since supporting evidence is limited at this time, the clinical significance of this alteration remains unclear.

NM_000179.3(MSH6):c.1169A>G (p.Asp390Gly)

Gene: MSH6 (mutS homolog 6; plus strand). Cytogenetic location: 2p16.3.
Variant type: single nucleotide variant.
Coding change: c.1169A>G on transcript NM_000179.3 (MANE Select); coding-DNA position 1169, A replaced by G.
Protein change: p.Asp390Gly; replaces aspartic acid 390 with glycine.
Molecular consequence: missense variant. On other transcripts: non-coding transcript variant (4), intron variant (1).
Genome position (GRCh38, 1-based): chr2:47,799,152, A>G. VCF-style: chr2-47799152-A-G. GRCh37 (hg19) VCF-style: chr2-48026291-A-G.
Other names: c.1001A>G, p.Asp334Gly (NM_001406826.1); c.872A>G, p.Asp291Gly (NM_001406827.1, NM_001406828.1, NM_001406830.1 and 10 more transcripts); c.263A>G, p.Asp88Gly (NM_001406829.1, NM_001281493.2, NM_001281494.2 and 6 more transcripts); c.628-1514A>G (NM_001407362.1); c.779A>G, p.Asp260Gly (NM_001281492.2); c.1265A>G, p.Asp422Gly (NM_001406795.1, NM_001406802.1); c.1169A>G, p.Asp390Gly (NM_001406796.1, NM_001406798.1, NM_001406800.1 and 4 more transcripts); c.644A>G, p.Asp215Gly (NM_001406799.1, NM_001406806.1, NM_001406807.1); and 2 more; short protein forms D291G, D390G, D88G, D215G, D334G, D392G, D260G, D364G.
Identifiers: ClinVar variation 2567463 (VCV002567463.2), dbSNP rs2530594307, ClinGen allele CA346742308.
Genomic context (GRCh38, chr2:47,799,152, plus strand): 5'-TAGAATGGCTTAAGGAGGAAAAGAGAAGAGATGAGCACAGGAGGAGGCCTGATCACCCCG[A>G]TTTTGATGCATCTACACTCTATGTGCCTGAGGATTTCCTCAATTCTTGTACTCCTGGGAT-3'
Protein context (NP_000170.1, residues 380-400): DEHRRRPDHP[Asp390Gly]FDASTLYVPE